The following is an entry in ClinVar:

ClinVar aggregate classification (germline): Uncertain significance (1 of 4 stars; one submission).

Conditions:
Inborn genetic diseases. Identifiers: MedGen C0950123, MeSH D030342.

Submission:

Ambry Genetics
Classification: Uncertain significance for Inborn genetic diseases. Last evaluated: 2025-05-31. Review status: criteria provided, single submitter. Criteria: Ambry Variant Classification Scheme 2023. Collection method: clinical testing. Allele origin: germline.
Comment: The p.D974E variant (also known as c.2922C>G), located in coding exon 30 of the FANCA gene, results from a C to G substitution at nucleotide position 2922. The aspartic acid at codon 974 is replaced by glutamic acid, an amino acid with highly similar properties. This amino acid position is conserved. In addition, this alteration is predicted to be tolerated by in silico analysis. Based on the available evidence, the clinical significance of this variant remains unclear.

NM_000135.4(FANCA):c.2922C>G (p.Asp974Glu)

Gene: FANCA (FA complementation group A; minus strand). Cytogenetic location: 16q24.3.
Variant type: single nucleotide variant.
Coding change: c.2922C>G on transcript NM_000135.4 (MANE Select); coding-DNA position 2922, C replaced by G.
Protein change: p.Asp974Glu; replaces aspartic acid 974 with glutamic acid.
Molecular consequence: missense variant.
Genome position (GRCh38, 1-based): chr16:89,758,636, G>C on the plus strand (C>G on the coding strand, the complement: FANCA is on the minus strand). VCF-style: chr16-89758636-G-C. GRCh37 (hg19) VCF-style: chr16-89825044-G-C.
Other names: c.2922C>G, p.Asp974Glu (NM_001286167.3); short protein forms D974E.
Identifiers: ClinVar variation 4022338 (VCV004022338.1).
Genomic context (GRCh38, chr16:89,758,636, plus strand): 5'-CCTTTGGTGGAAATCCATCAGTGCGTTGACAAGAATGGTACACGCAGCCTGCAGGTCTCC[G>C]TCACAGCCCCCTGAAGCCGAGGACTCAGGGAGAAAGTGCTCATGGATCGCCCACTGGTGG-3'
Protein context (NP_000126.2, residues 964-984): LPESSASGGC[Asp974Glu]GDLQAACTIL